The following is an entry in ClinVar:

NM_000388.4(CASR):c.818G>C (p.Gly273Ala)

Gene: CASR (calcium sensing receptor; plus strand). Cytogenetic location: 3q21.1.
Variant type: single nucleotide variant.
Coding change: c.818G>C on transcript NM_000388.4 (MANE Select); coding-DNA position 818, G replaced by C.
Protein change: p.Gly273Ala; replaces glycine 273 with alanine.
Molecular consequence: missense variant.
Genome position (GRCh38, 1-based): chr3:122,261,853, G>C. VCF-style: chr3-122261853-G-C. GRCh37 (hg19) VCF-style: chr3-121980700-G-C.
Other names: c.818G>C, p.Gly273Ala (NM_001178065.2); short protein forms G273A.
Identifiers: ClinVar variation 861083 (VCV000861083.10), dbSNP rs2074627937, ClinGen allele CA354151423.
Genomic context (GRCh38, chr3:122,261,853, plus strand): 5'-AGCATGTGGTAGAGGTGATTCAAAATTCCACGGCCAAAGTCATCGTGGTTTTCTCCAGTG[G>C]CCCAGATCTTGAGCCCCTCATCAAGGAGATTGTCCGGCGCAATATCACGGGCAAGATCTG-3'
Protein context (NP_000379.3, residues 263-283): TAKVIVVFSS[Gly273Ala]PDLEPLIKEI

ClinVar aggregate classification (germline): Uncertain significance (1 of 4 stars; one submission).

Conditions:
Familial hypocalciuric hypercalcemia (FHH). Also called: Familial benign hypercalcemia. Identifiers: Orphanet 405, MedGen C1809471, MONDO:0018458.
Autosomal dominant hypocalcemia 1 (HYPOC1). Also called: HYPOCALCEMIA, FAMILIAL. Identifiers: MedGen C3715128, MONDO:0011013, OMIM 601198.

Submission:

Labcorp Genetics (formerly Invitae), Labcorp
Classification: Uncertain significance for Familial hypocalciuric hypercalcemia; Autosomal dominant hypocalcemia 1. Last evaluated: 2019-06-02. Review status: criteria provided, single submitter. Criteria: Invitae Variant Classification Sherloc (09022015). Collection method: clinical testing. Allele origin: germline.
Comment: In summary, the available evidence is currently insufficient to determine the role of this variant in disease. Therefore, it has been classified as a Variant of Uncertain Significance. Algorithms developed to predict the effect of missense changes on protein structure and function (SIFT, PolyPhen-2, Align-GVGD) all suggest that this variant is likely to be disruptive, but these predictions have not been confirmed by published functional studies and their clinical significance is uncertain. This variant has not been reported in the literature in individuals with CASR-related conditions. This variant is not present in population databases (ExAC no frequency). This sequence change replaces glycine with alanine at codon 273 of the CASR protein (p.Gly273Ala). The glycine residue is highly conserved and there is a small physicochemical difference between glycine and alanine.